The following is an entry in ClinVar:

ClinVar aggregate classification (germline): Uncertain significance (1 of 4 stars; one submission).

Conditions:
Inborn genetic diseases. Identifiers: MedGen C0950123, MeSH D030342.

Submission:

Ambry Genetics
Classification: Uncertain significance for Inborn genetic diseases. Last evaluated: 2025-08-31. Review status: criteria provided, single submitter. Criteria: Ambry Variant Classification Scheme 2023. Collection method: clinical testing. Allele origin: germline.
Comment: The p.E322G variant (also known as c.965A>G), located in coding exon 10 of the ASXL1 gene, results from an A to G substitution at nucleotide position 965. The glutamic acid at codon 322 is replaced by glycine, an amino acid with similar properties. This amino acid position is conserved. In addition, this alteration is predicted to be deleterious by in silico analysis. Based on the available evidence, the clinical significance of this variant remains unclear.

NM_015338.6(ASXL1):c.965A>G (p.Glu322Gly)

Gene: ASXL1 (ASXL transcriptional regulator 1; plus strand). Cytogenetic location: 20q11.21.
Variant type: single nucleotide variant.
Coding change: c.965A>G on transcript NM_015338.6 (MANE Select); coding-DNA position 965, A replaced by G.
Protein change: p.Glu322Gly; replaces glutamic acid 322 with glycine.
Molecular consequence: missense variant.
Genome position (GRCh38, 1-based): chr20:32,431,665, A>G. VCF-style: chr20-32431665-A-G. GRCh37 (hg19) VCF-style: chr20-31019468-A-G.
Other names: c.782A>G, p.Glu261Gly (NM_001363734.1); short protein forms E322G, E261G.
Identifiers: ClinVar variation 4159397 (VCV004159397.1).